The following is an entry in ClinVar:

ClinVar aggregate classification (germline): Likely benign (1 of 4 stars; one submission).

Allele frequency attached by ClinVar (database versions not stated): 1000 Genomes Project 30x 0.00125; TOPMed 0.00131; gnomAD 0.00133; 1000 Genomes Project 0.00140; ExAC 0.00150; ESP Exome Variant Server 0.00177; gnomAD exomes 0.00194.
gnomAD v4.1: 3,003 of 1,614,112 alleles (0.19%); highest among the groups gnomAD compares: South Asian, 0.25%; 6 homozygotes.

Submission:

CeGaT Center for Human Genetics Tuebingen
Classification: Likely benign. Last evaluated: 2022-12-01. Review status: criteria provided, single submitter. Criteria: CeGaT Center For Human Genetics Tuebingen Variant Classification Criteria Version 2. Collection method: clinical testing. Allele origin: germline. Affected: yes. Observed: 1 variant allele.
Comment: MUS81: BP4, BP7

NM_025128.5(MUS81):c.1077T>C (p.Cys359=)

Gene: MUS81 (MUS81 structure-specific endonuclease subunit; plus strand). Cytogenetic location: 11q13.1.
Variant type: single nucleotide variant.
Coding change: c.1077T>C on transcript NM_025128.5 (MANE Select); coding-DNA position 1077, T replaced by C.
Protein change: p.Cys359=; no amino-acid change (cysteine 359 retained).
Molecular consequence: synonymous variant. On other transcripts: non-coding transcript variant (1).
Genome position (GRCh38, 1-based): chr11:65,864,514, T>C. VCF-style: chr11-65864514-T-C. GRCh37 (hg19) VCF-style: chr11-65631985-T-C.
Other names: c.1080T>C, p.Cys360= (NM_001350283.2).
Identifiers: ClinVar variation 2641973 (VCV002641973.24), dbSNP rs149378507, ClinGen allele CA6110057.